The following is an entry in ClinVar:

NM_002692.4(POLE2):c.324T>G (p.Pro108=)

Gene: POLE2 (DNA polymerase epsilon 2, accessory subunit; minus strand). Cytogenetic location: 14q21.3.
Variant type: single nucleotide variant.
Coding change: c.324T>G on transcript NM_002692.4 (MANE Select); coding-DNA position 324, T replaced by G.
Protein change: p.Pro108=; no amino-acid change (proline 108 retained).
Molecular consequence: synonymous variant. On other transcripts: missense variant (1).
Genome position (GRCh38, 1-based): chr14:49,674,216, A>C on the plus strand (T>G on the coding strand, the complement: POLE2 is on the minus strand). VCF-style: chr14-49674216-A-C. GRCh37 (hg19) VCF-style: chr14-50140934-A-C.
Other names: c.246T>G, p.Ile82Met (NM_001197330.2); c.324T>G, p.Pro108= (NM_001197331.3, NM_001348384.2); c.93T>G, p.Pro31= (NM_001348385.2); short protein forms I82M.
Identifiers: ClinVar variation 2990609 (VCV002990609.3), dbSNP rs368926840, ClinGen allele CA7173653.
Genomic context (GRCh38, chr14:49,674,216, plus strand): 5'-CTCTGCTTTATCTCTTGGTGTTCCAAATAAATTTGGTGCAGGGTGGTTGGTCATTAACAG[A>C]CTAGAAAAAGAGAATGCCTATTTTTGACTATCATAATACACAAAGGTGAGCCAAAAGTGA-3'
Protein context (NP_002683.2, residues 98-118): VYNSERKKFL[Pro108=]LLMTNHPAPN

ClinVar aggregate classification (germline): Uncertain significance (1 of 4 stars; one submission).

Allele frequency attached by ClinVar (database versions not stated): gnomAD exomes below 0.00001; ExAC 0.00001; ESP Exome Variant Server 0.00008.
gnomAD v4.1: 3 of 1,602,224 alleles (0.00019%); no homozygotes.

Submission:

Labcorp Genetics (formerly Invitae), Labcorp
Classification: Uncertain significance. Last evaluated: 2023-07-11. Review status: criteria provided, single submitter. Criteria: Invitae Variant Classification Sherloc (09022015). Collection method: clinical testing. Allele origin: germline.
Comment: Algorithms developed to predict the effect of sequence changes on RNA splicing suggest that this variant is not likely to affect RNA splicing. In summary, the available evidence is currently insufficient to determine the role of this variant in disease. Therefore, it has been classified as a Variant of Uncertain Significance. This variant has not been reported in the literature in individuals affected with POLE2-related conditions. This variant is present in population databases (rs368926840, gnomAD 0.02%). This sequence change affects codon 108 of the POLE2 mRNA. It is a 'silent' change, meaning that it does not change the encoded amino acid sequence of the POLE2 protein. It affects a nucleotide within the consensus splice site.